The following is an entry in ClinVar:

NM_001044.5(SLC6A3):c.569C>T (p.Ser190Leu)

Gene: SLC6A3 (solute carrier family 6 member 3). Cytogenetic location: 5p15.33.
Variant type: single nucleotide variant.
Coding change: c.569C>T on transcript NM_001044.5 (MANE Select); coding-DNA position 569, C replaced by T.
Protein change: p.Ser190Leu; replaces serine 190 with leucine.
Molecular consequence: missense variant.
Genome position (GRCh38, 1-based): chr5:1,432,548, G>A on the plus strand (C>T on the coding strand, the complement: SLC6A3 is on the minus strand). VCF-style: chr5-1432548-G-A. GRCh37 (hg19) VCF-style: chr5-1432663-G-A.
Other names: short protein forms S190L.
Identifiers: ClinVar variation 1418088 (VCV001418088.5), dbSNP rs1483254325, ClinGen allele CA359060461.

ClinVar aggregate classification (germline): Uncertain significance (1 of 4 stars; one submission).

Conditions:
Parkinsonism-dystonia, infantile. Identifiers: Orphanet 238455, MedGen C2751067, MONDO:0013150.

Allele frequency attached by ClinVar (database versions not stated): gnomAD 0.00001 and 0.00002; gnomAD exomes 0.00001 and 0.00002; TOPMed 0.00001.
gnomAD v4.1: 25 of 1,614,108 alleles (0.0015%); highest among the groups gnomAD compares: Middle Eastern, 0.016%; no homozygotes.

Submission:

Labcorp Genetics (formerly Invitae), Labcorp
Classification: Uncertain significance for Parkinsonism-dystonia, infantile. Last evaluated: 2021-08-28. Review status: criteria provided, single submitter. Criteria: Invitae Variant Classification Sherloc (09022015). Collection method: clinical testing. Allele origin: germline.
Comment: This sequence change replaces serine with leucine at codon 190 of the SLC6A3 protein (p.Ser190Leu). The serine residue is highly conserved and there is a large physicochemical difference between serine and leucine. This variant is not present in population databases (ExAC no frequency). This variant has not been reported in the literature in individuals affected with SLC6A3-related conditions. Algorithms developed to predict the effect of missense changes on protein structure and function (SIFT, PolyPhen-2, Align-GVGD) all suggest that this variant is likely to be tolerated. In summary, the available evidence is currently insufficient to determine the role of this variant in disease. Therefore, it has been classified as a Variant of Uncertain Significance.